The following is an entry in ClinVar:

NM_007294.4(BRCA1):c.1220C>G (p.Ala407Gly)

Gene: BRCA1 (BRCA1 DNA repair associated; minus strand). Cytogenetic location: 17q21.31.
Variant type: single nucleotide variant.
Coding change: c.1220C>G on transcript NM_007294.4 (MANE Select); coding-DNA position 1220, C replaced by G.
Protein change: p.Ala407Gly; replaces alanine 407 with glycine.
Molecular consequence: missense variant. On other transcripts: intron variant (137).
Genome position (GRCh38, 1-based): chr17:43,094,311, G>C on the plus strand (C>G on the coding strand, the complement: BRCA1 is on the minus strand). VCF-style: chr17-43094311-G-C. GRCh37 (hg19) VCF-style: chr17-41246328-G-C.
Other names: c.1079C>G, p.Ala360Gly (NM_001407728.1, NM_001407730.1, NM_001407733.1 and 29 more transcripts); c.1007C>G, p.Ala336Gly (NM_001407571.1, NM_001407853.1, NM_001407894.1 and 9 more transcripts); c.1220C>G, p.Ala407Gly (NM_001407581.1, NM_001407582.1, NM_001407583.1 and 30 more transcripts); c.1217C>G, p.Ala406Gly (NM_001407587.1, NM_001407590.1, NM_001407591.1 and 22 more transcripts); c.1211C>G, p.Ala404Gly (NM_001407646.1, NM_001407647.1); c.1097C>G, p.Ala366Gly (NM_001407648.1, NM_001407664.1, NM_001407665.1 and 19 more transcripts); c.1094C>G, p.Ala365Gly (NM_001407649.1, NM_001407670.1, NM_001407671.1 and 11 more transcripts); c.1142C>G, p.Ala381Gly (NM_001407653.1, NM_001407654.1, NM_001407655.1 and 4 more transcripts); and 40 more; short protein forms A279G, A295G, A359G, A381G, A404G, A407G, A111G, A280G.
Identifiers: ClinVar variation 2565345 (VCV002565345.2), dbSNP rs2154466192, ClinGen allele CA10599609.

ClinVar aggregate classification (germline): Uncertain significance (1 of 4 stars; one submission).

Conditions:
Hereditary cancer-predisposing syndrome. Also called: Neoplastic Syndromes, Hereditary; Hereditary Cancer Syndrome; Hereditary neoplastic syndrome; Tumor predisposition. Identifiers: Orphanet 140162, MedGen C0027672, MeSH D009386, MONDO:0015356.

Submission:

Ambry Genetics
Classification: Uncertain significance for Hereditary cancer-predisposing syndrome. Last evaluated: 2023-04-16. Review status: criteria provided, single submitter. Criteria: Ambry Variant Classification Scheme 2023. Collection method: clinical testing. Allele origin: germline.
Comment: The p.A407G variant (also known as c.1220C>G), located in coding exon 9 of the BRCA1 gene, results from a C to G substitution at nucleotide position 1220. The alanine at codon 407 is replaced by glycine, an amino acid with similar properties. This amino acid position is conserved. In addition, the in silico prediction for this alteration is inconclusive. Since supporting evidence is limited at this time, the clinical significance of this alteration remains unclear.